The following is an entry in ClinVar:

NM_001370466.1(NOD2):c.2465+28G>A

Gene: NOD2 (nucleotide binding oligomerization domain containing 2; plus strand). Cytogenetic location: 16q12.1.
Variant type: single nucleotide variant.
Coding change: c.2465+28G>A on transcript NM_001370466.1 (MANE Select); 28 bases into the intron after coding-DNA position 2465, G replaced by A.
Molecular consequence: intron variant.
Genome position (GRCh38, 1-based): chr16:50,716,698, G>A. VCF-style: chr16-50716698-G-A. GRCh37 (hg19) VCF-style: chr16-50750609-G-A.
Other names: c.2546+28G>A (LRG_177t1, NM_022162.3); c.2465+28G>A (NM_001293557.2).
Identifiers: ClinVar variation 103123 (VCV000103123.2), dbSNP rs199475919, ClinGen allele CA230154.
Genomic context (GRCh38, chr16:50,716,698, plus strand): 5'-TGCTCTTCACTGCGAGCAATTGCAGAAGTTAGCGTAAGTCAGCCTGGGCTGTGGACAATG[G>A]GCTCCAAGTGCCCTGGTCTCACCCCAGGTCGTGCAGCCTGGGAAGCTGTGAGTGATGGGC-3'

ClinVar aggregate classification (germline): not provided (0 of 4 stars; one submission).

Allele frequency attached by ClinVar (database versions not stated): gnomAD exomes below 0.00001; ExAC 0.00001; gnomAD 0.00001; TOPMed 0.00001.

Submission:

Human Evolutionary Genetics, Institut Pasteur
No classification provided. Review status: no classification provided. Collection method: not provided. Allele origin: germline.
ClinVar note: Converted during submission from untested to not provided.